The following is an entry in ClinVar:

NM_001128840.3(CACNA1D):c.3237C>G (p.Asn1079Lys)

Gene: CACNA1D (calcium voltage-gated channel subunit alpha1 D; plus strand). Cytogenetic location: 3p21.1.
Variant type: single nucleotide variant.
Coding change: c.3237C>G on transcript NM_001128840.3 (MANE Select); coding-DNA position 3237, C replaced by G.
Protein change: p.Asn1079Lys; replaces asparagine 1079 with lysine.
Molecular consequence: missense variant.
Genome position (GRCh38, 1-based): chr3:53,747,371, C>G. VCF-style: chr3-53747371-C-G. GRCh37 (hg19) VCF-style: chr3-53781398-C-G.
Other names: c.3297C>G, p.Asn1099Lys (NM_000720.4); c.3237C>G, p.Asn1079Lys (NM_001128839.3); short protein forms N1099K, N1079K.
Identifiers: ClinVar variation 1920160 (VCV001920160.7), dbSNP rs781593694, ClinGen allele CA2454502.

ClinVar aggregate classification (germline): Uncertain significance. Review status: criteria provided, multiple submitters, no conflicts (2 of 4 stars). 2 submissions from 2 submitters: Uncertain significance (2). Last evaluated 2026-01-26.

Conditions:
Aldosterone-producing adenoma with seizures and neurological abnormalities. Also called: Primary aldosteronism, seizures, and neurologic abnormalities. Identifiers: Orphanet 369929, MedGen C3809609, MONDO:0014200, OMIM 615474.

Allele frequency attached by ClinVar (database versions not stated): ExAC 0.00001; TOPMed 0.00001; gnomAD 0.00001; gnomAD exomes 0.00001.
gnomAD v4.1: 12 of 1,613,896 alleles (0.00074%); highest among the groups gnomAD compares: Admixed American, 0.0083%; no homozygotes.

Submissions (2):

Dasa
Classification: Uncertain significance for Aldosterone-producing adenoma with seizures and neurological abnormalities. Last evaluated: 2026-01-26. Review status: criteria provided, single submitter. Criteria: DASA Assertion Criteria. Collection method: clinical testing. Allele origin: germline.
Comment: NM_001128840.3(CACNA1D):c.3237C>G (p.Asn1079Lys) is a missense variant that results in the substitution of asparagine with lysine. The affected residue or protein region has prior evidence supporting clinical relevance. This variant is rare in population databases. The currently available literature and clinical evidence are not sufficient to establish a definitive association between this variant and the reported condition. Therefore, this variant is classified as a variant of uncertain significance.

Labcorp Genetics (formerly Invitae), Labcorp
Classification: Uncertain significance. Last evaluated: 2025-07-13. Review status: criteria provided, single submitter. Criteria: Invitae Variant Classification Sherloc (09022015). Collection method: clinical testing. Allele origin: germline.
Comment: This sequence change replaces asparagine, which is neutral and polar, with lysine, which is basic and polar, at codon 1099 of the CACNA1D protein (p.Asn1099Lys). This variant is present in population databases (rs781593694, gnomAD 0.009%). This variant has not been reported in the literature in individuals affected with CACNA1D-related conditions. ClinVar contains an entry for this variant (Variation ID: 1920160). Invitae Evidence Modeling of protein sequence and biophysical properties (such as structural, functional, and spatial information, amino acid conservation, physicochemical variation, residue mobility, and thermodynamic stability) indicates that this missense variant is not expected to disrupt CACNA1D protein function with a negative predictive value of 80%. In summary, the available evidence is currently insufficient to determine the role of this variant in disease. Therefore, it has been classified as a Variant of Uncertain Significance.